The following is an entry in ClinVar:

NM_000182.5(HADHA):c.1132C>T (p.Gln378Ter)

Genes: GAREM2 (GRB2 associated regulator of MAPK1 subtype 2; plus strand), HADHA (hydroxyacyl-CoA dehydrogenase trifunctional multienzyme complex subunit alpha; minus strand). Cytogenetic location: 2p23.3.
Variant type: single nucleotide variant.
Coding change: c.1132C>T on transcript NM_000182.5 (MANE Select); coding-DNA position 1132, C replaced by T.
Protein change: p.Gln378Ter; replaces glutamine 378 with a stop codon.
Molecular consequence: nonsense.
Genome position (GRCh38, 1-based): chr2:26,204,150, G>A on the plus strand (C>T on the coding strand, the complement: HADHA is on the minus strand). VCF-style: chr2-26204150-G-A. GRCh37 (hg19) VCF-style: chr2-26427019-G-A.
Other names: Q342*; short protein forms Q378*.
Identifiers: ClinVar variation 8729 (VCV000008729.8), dbSNP rs137852770, ClinGen allele CA340815.

ClinVar aggregate classification (germline): Pathogenic. Review status: criteria provided, single submitter (1 of 4 stars). 3 submissions from 3 submitters: Pathogenic (1). 2 of the submissions do not count toward it. Last evaluated 2021-08-22.

Conditions:
Long chain 3-hydroxyacyl-CoA dehydrogenase deficiency. Also called: LCHAD Deficiency; Deficiency of long-chain 3-hydroxyacyl-coenzyme A dehydrogenase. Identifiers: Orphanet 5, MedGen C3711645, MONDO:0012173, OMIM 609016.
Mitochondrial trifunctional protein deficiency. Identifiers: Orphanet 746, MedGen C1969443, MONDO:0012172.

Allele frequency attached by ClinVar (database versions not stated): gnomAD exomes below 0.00001; gnomAD 0.00001; TOPMed 0.00002.
gnomAD v4.1: 2 of 1,613,554 alleles (0.00012%); highest among the groups gnomAD compares: Non-Finnish European, 0.00017%; no homozygotes.

Submissions (3):

Labcorp Genetics (formerly Invitae), Labcorp
Classification: Pathogenic for Mitochondrial trifunctional protein deficiency; Long chain 3-hydroxyacyl-CoA dehydrogenase deficiency. Last evaluated: 2021-08-22. Review status: criteria provided, single submitter. Criteria: Invitae Variant Classification Sherloc (09022015). Collection method: clinical testing. Allele origin: germline.
Comment: For these reasons, this variant has been classified as Pathogenic. This sequence change creates a premature translational stop signal (p.Gln378*) in the HADHA gene. It is expected to result in an absent or disrupted protein product. Loss-of-function variants in HADHA are known to be pathogenic (PMID: 7738175, 21103935, 21549624, 22459206). This variant is not present in population databases (ExAC no frequency). This premature translational stop signal has been observed in individual(s) with clinical features of long chain 3-hydroxyacyl-CoA dehydrogenase deficiency (PMID: 7846063, 28559085). This variant is also known as Q342Stop. ClinVar contains an entry for this variant (Variation ID: 8729).

Counsyl
Classification: Likely pathogenic for Long chain 3-hydroxyacyl-CoA dehydrogenase deficiency. Last evaluated: 2017-01-31. Review status: no assertion criteria provided. Collection method: clinical testing. Allele origin: unknown. Not counted in ClinVar's aggregate classification.

OMIM
Classification: Pathogenic for LCHAD DEFICIENCY. Last evaluated: 1995-01-31. Review status: no assertion criteria provided. Collection method: literature only. Allele origin: germline. Not counted in ClinVar's aggregate classification.

Literature cited by the submitters: PubMed 7738175 (cited by Labcorp Genetics (formerly Invitae), Labcorp); PubMed 21103935 (cited by Labcorp Genetics (formerly Invitae), Labcorp); PubMed 21549624 (cited by Labcorp Genetics (formerly Invitae), Labcorp); PubMed 22459206 (cited by Labcorp Genetics (formerly Invitae), Labcorp); PubMed 7846063 (cited by 3 submitters); PubMed 28559085 (cited by Labcorp Genetics (formerly Invitae), Labcorp); PubMed 10234607 (cited by Counsyl).